The following is an entry in ClinVar:

NM_001110556.2(FLNA):c.81G>C (p.Glu27Asp)

Gene: FLNA (filamin A; minus strand). Cytogenetic location: Xq28.
Variant type: single nucleotide variant.
Coding change: c.81G>C on transcript NM_001110556.2 (MANE Select); coding-DNA position 81, G replaced by C.
Protein change: p.Glu27Asp; replaces glutamic acid 27 with aspartic acid.
Molecular consequence: missense variant.
Genome position (GRCh38, 1-based): chrX:154,371,165, C>G on the plus strand (G>C on the coding strand, the complement: FLNA is on the minus strand). VCF-style: chrX-154371165-C-G. GRCh37 (hg19) VCF-style: chrX-153599533-C-G.
Other names: c.81G>C, p.Glu27Asp (NM_001456.4); short protein forms E27D.
Identifiers: ClinVar variation 2953487 (VCV002953487.3), dbSNP rs2522771889, ClinGen allele CA415255652.

ClinVar aggregate classification (germline): Uncertain significance (1 of 4 stars; one submission).

Conditions:
Heterotopia, periventricular, X-linked dominant (PVNH1). Also called: PERIVENTRICULAR NODULAR HETEROTOPIA 1; X-linked periventricular heterotopia; PERIVENTRICULAR NODULAR HETEROTOPIA 4; HETEROTOPIA, PERIVENTRICULAR, 1. Identifiers: Orphanet 2149, Orphanet 82004, MedGen C1848213, MONDO:0010233, OMIM 300049.
Melnick-Needles syndrome (MNS). Also called: Melnick-Needles Syndrome (FLNA-MNS); MELNICK-NEEDLES OSTEODYSPLASTY; OSTEODYSPLASTY OF MELNICK AND NEEDLES. Identifiers: Orphanet 2484, MedGen C0025237, MONDO:0010650, OMIM 309350.
Frontometaphyseal dysplasia (FMD1). Identifiers: Orphanet 1826, MedGen C0265293, MONDO:0015942.
Oto-palato-digital syndrome, type II (OPD2). Also called: Otopalatodigital Syndrome Type 2 (FLNA-OPD2); FACIOPALATOOSSEOUS SYNDROME; OPD II SYNDROME; Otopalatodigital Syndrome, Type II. Identifiers: Orphanet 669, Orphanet 90652, MedGen C1844696, MONDO:0010571, OMIM 304120.

Submission:

Labcorp Genetics (formerly Invitae), Labcorp
Classification: Uncertain significance for Oto-palato-digital syndrome, type II; Heterotopia, periventricular, X-linked dominant; Frontometaphyseal dysplasia; Melnick-Needles syndrome. Last evaluated: 2023-11-02. Review status: criteria provided, single submitter. Criteria: Invitae Variant Classification Sherloc (09022015). Collection method: clinical testing. Allele origin: germline.
Comment: This sequence change replaces glutamic acid, which is acidic and polar, with aspartic acid, which is acidic and polar, at codon 27 of the FLNA protein (p.Glu27Asp). This variant is not present in population databases (gnomAD no frequency). This variant has not been reported in the literature in individuals affected with FLNA-related conditions. Advanced modeling of protein sequence and biophysical properties (such as structural, functional, and spatial information, amino acid conservation, physicochemical variation, residue mobility, and thermodynamic stability) performed at Invitae indicates that this missense variant is not expected to disrupt FLNA protein function with a negative predictive value of 95%. In summary, the available evidence is currently insufficient to determine the role of this variant in disease. Therefore, it has been classified as a Variant of Uncertain Significance.